The following is an entry in ClinVar:

ClinVar aggregate classification (germline): Uncertain significance (1 of 4 stars; one submission).

Allele frequency attached by ClinVar (database versions not stated): gnomAD 0.00001; TOPMed 0.00001.
gnomAD v4.1: 1 of 1,611,802 alleles (0.000062%); highest among the groups gnomAD compares: Non-Finnish European, 0.000085%; no homozygotes.

Submission:

Labcorp Genetics (formerly Invitae), Labcorp
Classification: Uncertain significance. Last evaluated: 2021-02-26. Review status: criteria provided, single submitter. Criteria: Invitae Variant Classification Sherloc (09022015). Collection method: clinical testing. Allele origin: germline.
Comment: This sequence change replaces asparagine with lysine at codon 984 of the KANK1 protein (p.Asn984Lys). The asparagine residue is moderately conserved and there is a moderate physicochemical difference between asparagine and lysine. This variant is not present in population databases (ExAC no frequency). This variant has not been reported in the literature in individuals with KANK1-related conditions. Algorithms developed to predict the effect of missense changes on protein structure and function output the following: SIFT: "Tolerated"; PolyPhen-2: "Benign"; Align-GVGD: "Class C0". The lysine amino acid residue is found in multiple mammalian species, suggesting that this missense change does not adversely affect protein function. These predictions have not been confirmed by published functional studies and their clinical significance is uncertain. Algorithms developed to predict the effect of sequence changes on RNA splicing suggest that this variant may create or strengthen a splice site, but this prediction has not been confirmed by published transcriptional studies. In summary, the available evidence is currently insufficient to determine the role of this variant in disease. Therefore, it has been classified as a Variant of Uncertain Significance.

NM_015158.5(KANK1):c.2952C>G (p.Asn984Lys)

Gene: KANK1 (KN motif and ankyrin repeat domains 1; plus strand). Cytogenetic location: 9p24.3.
Variant type: single nucleotide variant.
Coding change: c.2952C>G on transcript NM_015158.5 (MANE Select); coding-DNA position 2952, C replaced by G.
Protein change: p.Asn984Lys; replaces asparagine 984 with lysine.
Molecular consequence: missense variant. On other transcripts: non-coding transcript variant (1).
Genome position (GRCh38, 1-based): chr9:731,213, C>G. VCF-style: chr9-731213-C-G. GRCh37 (hg19) VCF-style: chr9-731213-C-G.
Other names: c.2952C>G, p.Asn984Lys (NM_001354334.2, NM_001256876.3, NM_001256877.3 and 1 more transcripts); c.2478C>G, p.Asn826Lys (NM_001354335.2, NM_001354337.2, NM_001354339.2 and 5 more transcripts); c.2424C>G, p.Asn808Lys (NM_001354336.2, NM_001354338.2, NM_001354340.2 and 1 more transcripts); c.2898C>G, p.Asn966Lys (NM_001354332.2); short protein forms N808K, N826K, N966K, N984K.
Identifiers: ClinVar variation 1464075 (VCV001464075.8), dbSNP rs897462096, ClinGen allele CA187784963.
Genomic context (GRCh38, chr9:731,213, plus strand): 5'-CACAGCATGTACAAACAATGAAAGTACACTGAAGTCCATCATGAAGAAGAAAGATGGTAA[C>G]AAAGATTCAAATGGCGCAAAAAAGAATCTTCAGTTTGTTGGCATTAATGGAGGGTAAGGA-3'
Protein context (NP_055973.2, residues 974-994): LKSIMKKKDG[Asn984Lys]KDSNGAKKNL